The following is an entry in ClinVar:

NM_006031.6(PCNT):c.8188G>A (p.Glu2730Lys)

Gene: PCNT (pericentrin; plus strand). Cytogenetic location: 21q22.3.
Variant type: single nucleotide variant.
Coding change: c.8188G>A on transcript NM_006031.6 (MANE Select); coding-DNA position 8188, G replaced by A.
Protein change: p.Glu2730Lys; replaces glutamic acid 2730 with lysine.
Molecular consequence: missense variant.
Genome position (GRCh38, 1-based): chr21:46,431,652, G>A. VCF-style: chr21-46431652-G-A. GRCh37 (hg19) VCF-style: chr21-47851566-G-A.
Other names: c.7834G>A, p.Glu2612Lys (NM_001315529.2); c.8188G>A (NM_006031.5); short protein forms E2612K, E2730K.
Identifiers: ClinVar variation 1416217 (VCV001416217.5), dbSNP rs201840054, ClinGen allele CA10080913.

ClinVar aggregate classification (germline): Uncertain significance. Review status: criteria provided, multiple submitters, no conflicts (2 of 4 stars). 3 submissions from 3 submitters: Uncertain significance (3). Last evaluated 2026-06-09.

Conditions:
PCNT-related disorder. Also called: PCNT-related condition.
Inborn genetic diseases. Identifiers: MedGen C0950123, MeSH D030342.

Allele frequency attached by ClinVar (database versions not stated): gnomAD exomes 0.00001; ExAC 0.00002; gnomAD 0.00006 and 0.00007; TOPMed 0.00007; 1000 Genomes Project 30x 0.00031; 1000 Genomes Project 0.00040.
gnomAD v4.1: 26 of 1,613,750 alleles (0.0016%); highest among the groups gnomAD compares: Admixed American, 0.022%; no homozygotes.

Submissions (3):

PreventionGenetics, part of Exact Sciences
Classification: Uncertain significance for PCNT-related condition. Last evaluated: 2026-06-09. Review status: criteria provided, single submitter. Criteria: ACMG Guidelines, 2015. Collection method: clinical testing. Allele origin: germline.
Comment: The PCNT c.8188G>A variant is predicted to result in the amino acid substitution p.Glu2730Lys. To our knowledge, this variant has not been reported in the literature. This variant is reported in 0.0033% of alleles in individuals of South Asian descent in gnomAD. At this time, the clinical significance of this variant is uncertain due to the absence of conclusive functional and genetic evidence.

Ambry Genetics
Classification: Uncertain significance for Inborn genetic diseases. Last evaluated: 2025-08-05. Review status: criteria provided, single submitter. Criteria: Ambry Variant Classification Scheme 2023. Collection method: clinical testing. Allele origin: germline.

Labcorp Genetics (formerly Invitae), Labcorp
Classification: Uncertain significance. Last evaluated: 2022-06-13. Review status: criteria provided, single submitter. Criteria: Invitae Variant Classification Sherloc (09022015). Collection method: clinical testing. Allele origin: germline.
Comment: This sequence change replaces glutamic acid, which is acidic and polar, with lysine, which is basic and polar, at codon 2730 of the PCNT protein (p.Glu2730Lys). This variant is present in population databases (rs201840054, gnomAD 0.003%). This variant has not been reported in the literature in individuals affected with PCNT-related conditions. Algorithms developed to predict the effect of missense changes on protein structure and function are either unavailable or do not agree on the potential impact of this missense change (SIFT: "Deleterious"; PolyPhen-2: "Possibly Damaging"; Align-GVGD: "Class C0"). In summary, the available evidence is currently insufficient to determine the role of this variant in disease. Therefore, it has been classified as a Variant of Uncertain Significance.